The following is an entry in ClinVar:

NM_022124.6(CDH23):c.5051G>A (p.Arg1684His)

Gene: CDH23 (cadherin related 23; plus strand). Cytogenetic location: 10q22.1.
Variant type: single nucleotide variant.
Coding change: c.5051G>A on transcript NM_022124.6 (MANE Select); coding-DNA position 5051, G replaced by A.
Protein change: p.Arg1684His; replaces arginine 1684 with histidine.
Molecular consequence: missense variant.
Genome position (GRCh38, 1-based): chr10:71,777,885, G>A. VCF-style: chr10-71777885-G-A. GRCh37 (hg19) VCF-style: chr10-73537642-G-A.
Other names: short protein forms R1684H.
Identifiers: ClinVar variation 725069 (VCV000725069.22), dbSNP rs111033475, ClinGen allele CA5545612.
Genomic context (GRCh38, chr10:71,777,885, plus strand): 5'-AGGGTCCCAACGGCACAGTCACCTATGCCATCGTCGCAGGCAACATCGTCAACACCTTCC[G>A]CATCGACAGACACATGGTCAGCAGCTGATGGCAGGATCAAGACAAGGGGCGAAACCTATC-3'
Protein context (NP_071407.4, residues 1674-1694): IVAGNIVNTF[Arg1684His]IDRHMGVITA

ClinVar aggregate classification (germline): Conflicting classifications of pathogenicity. Review status: criteria provided, conflicting classifications (1 of 4 stars). 7 submissions from 7 submitters: Uncertain significance (1); Likely benign (5). 1 of the submissions does not count toward it. Last evaluated 2025-12-22.

Conditions:
Usher syndrome type 1 (USH1). Also called: RETINITIS PIGMENTOSA AND CONGENITAL DEAFNESS. Identifiers: Orphanet 231169, Orphanet 886, MedGen C1568247, MONDO:0010168, OMIM 276900.
CDH23-related disorder. Also called: CDH23-related disorders; CDH23-related condition.

gnomAD v4.1: 70 of 1,613,772 alleles (0.0043%); highest among the groups gnomAD compares: Middle Eastern, 0.049%; 1 homozygote.

Submissions (7):

Labcorp Genetics (formerly Invitae), Labcorp
Classification: Likely benign. Last evaluated: 2025-12-22. Review status: criteria provided, single submitter. Criteria: Invitae Variant Classification Sherloc (09022015). Collection method: clinical testing. Allele origin: germline.

CeGaT Center for Human Genetics Tuebingen
Classification: Likely benign. Last evaluated: 2025-10-01. Review status: criteria provided, single submitter. Criteria: CeGaT Center For Human Genetics Tuebingen Variant Classification Criteria Version 2. Collection method: clinical testing. Allele origin: germline. Affected: yes. Observed: 1 variant allele.
Comment: CDH23: BP4

PreventionGenetics, part of Exact Sciences
Classification: Uncertain significance for CDH23-related condition. Last evaluated: 2025-08-22. Review status: criteria provided, single submitter. Criteria: ACMG Guidelines, 2015. Collection method: clinical testing. Allele origin: germline.
Comment: The CDH23 c.5051G>A variant is predicted to result in the amino acid substitution p.Arg1684His. This variant has been reported in the heterozygous state in an individual with sporadic pituitary adenoma (Table S1, Zhang et al. 2017. PubMed ID: 28413019). This variant is present in 0.046% of alleles in individuals of South Asian descent in gnomAD, including 1 homozygote. At this time, the clinical significance of this variant is uncertain due to the absence of conclusive functional and genetic evidence.

Blueprint Genetics
Classification: Likely benign. Last evaluated: 2024-08-20. Review status: criteria provided, single submitter. Criteria: ACMG Guidelines, 2015. Collection method: clinical testing. Allele origin: germline.

GeneDx
Classification: Likely benign. Last evaluated: 2021-03-11. Review status: criteria provided, single submitter. Criteria: GeneDx Variant Classification Process June 2021. Collection method: clinical testing. Allele origin: germline. Affected: yes.
Comment: This variant is associated with the following publications: (PMID: 28413019)

Breakthrough Genomics
Classification: Likely benign. Review status: criteria provided, single submitter. Criteria: ACMG Guidelines, 2015. Collection method: not provided. Allele origin: germline. Inheritance: Autosomal recessive inheritance. Affected: yes.

Natera, Inc.
Classification: Likely benign for Usher syndrome type 1. Last evaluated: 2020-09-15. Review status: no assertion criteria provided. Collection method: clinical testing. Allele origin: germline. Not counted in ClinVar's aggregate classification.